The following is an entry in ClinVar:

ClinVar aggregate classification (germline): Likely benign (1 of 4 stars; one submission).

gnomAD v4.1: 1 of 1,614,158 alleles (0.000062%); no homozygotes.

Submission:

CeGaT Center for Human Genetics Tuebingen
Classification: Likely benign. Last evaluated: 2025-07-01. Review status: criteria provided, single submitter. Criteria: CeGaT Center For Human Genetics Tuebingen Variant Classification Criteria Version 2. Collection method: clinical testing. Allele origin: germline. Affected: yes. Observed: 1 variant allele.
Comment: ABCB4: BP4, BP7

NM_000443.4(ABCB4):c.2517A>C (p.Ile839=)

Gene: ABCB4 (ATP binding cassette subfamily B member 4; minus strand). Cytogenetic location: 7q21.12.
Variant type: single nucleotide variant.
Coding change: c.2517A>C on transcript NM_000443.4 (MANE Select); coding-DNA position 2517, A replaced by C.
Protein change: p.Ile839=; no amino-acid change (isoleucine 839 retained).
Molecular consequence: synonymous variant.
Genome position (GRCh38, 1-based): chr7:87,417,477, T>G on the plus strand (A>C on the coding strand, the complement: ABCB4 is on the minus strand). VCF-style: chr7-87417477-T-G. GRCh37 (hg19) VCF-style: chr7-87046793-T-G.
Other names: c.2517A>C, p.Ile839= (NM_018849.3, NM_018850.3).
Identifiers: ClinVar variation 4085669 (VCV004085669.8).